The following is an entry in ClinVar:

ClinVar aggregate classification (germline): Likely pathogenic. Review status: criteria provided, multiple submitters, no conflicts (2 of 4 stars). 3 submissions from 3 submitters: Likely pathogenic (3). Last evaluated 2026-02-16.

Conditions:
Hereditary cancer-predisposing syndrome. Also called: Neoplastic Syndromes, Hereditary; Tumor predisposition; Hereditary Cancer Syndrome; Hereditary neoplastic syndrome. Identifiers: Orphanet 140162, MedGen C0027672, MeSH D009386, MONDO:0015356.
Familial adenomatous polyposis 2. Also called: Adenomas, multiple colorectal; MUTYH Polyposis; COLORECTAL ADENOMATOUS POLYPOSIS, AUTOSOMAL RECESSIVE; ADENOMAS, MULTIPLE COLORECTAL, AUTOSOMAL RECESSIVE; MUTYH-associated polyposis; MUTYH-related attenuated familial adenomatous polyposis. Identifiers: Orphanet 220460, Orphanet 247798, MedGen C3272841, MONDO:0012041, OMIM 608456.

Allele frequency attached by ClinVar (database versions not stated): gnomAD exomes below 0.00001.

Submissions (3):

Ambry Genetics
Classification: Likely pathogenic for Hereditary cancer-predisposing syndrome. Last evaluated: 2026-02-16. Review status: criteria provided, single submitter. Criteria: Ambry Variant Classification Scheme 2023. Collection method: clinical testing. Allele origin: germline.
Comment: The c.1324-2A>C intronic variant results from an A to C substitution two nucleotides upstream from coding exon 14 in the MUTYH gene. Variants that disrupt the canonical splice site are expected to result in aberrant splicing. In silico splice site analysis predicts that this alteration will weaken the native splice acceptor site and may result in the creation or strengthening of a novel splice acceptor site; however, direct evidence is insufficient at this time (Ambry internal data). A resulting transcript is predicted to be in-frame and is not expected to trigger nonsense-mediated mRNAdecay. However, the region predicted to be impacted is critical for protein function (Ambry internal data). This variant is considered to be rare based on population cohorts in the Genome Aggregation Database (gnomAD). This nucleotide position is highly conserved in available vertebrate species. Based on the majority of available evidence to date, this variant is likely to be pathogenic.

Labcorp Genetics (formerly Invitae), Labcorp
Classification: Likely pathogenic for Familial adenomatous polyposis 2. Last evaluated: 2025-12-13. Review status: criteria provided, single submitter. Criteria: Invitae Variant Classification Sherloc (09022015). Collection method: clinical testing. Allele origin: germline.
Comment: This sequence change affects an acceptor splice site in intron 13 of the MUTYH gene. It is expected to disrupt RNA splicing. Variants that disrupt the donor or acceptor splice site typically lead to a loss of protein function (PMID: 16199547), and loss-of-function variants in MUTYH are known to be pathogenic (PMID: 18534194, 20663686). This variant is not present in population databases (gnomAD no frequency). This variant has not been reported in the literature in individuals affected with MUTYH-related conditions. ClinVar contains an entry for this variant (Variation ID: 919594). Algorithms developed to predict the effect of sequence changes on RNA splicing suggest that this variant may disrupt the consensus splice site. In summary, the currently available evidence indicates that the variant is pathogenic, but additional data are needed to prove that conclusively. Therefore, this variant has been classified as Likely Pathogenic.

Color Diagnostics, LLC DBA Color Health
Classification: Likely pathogenic for Hereditary cancer-predisposing syndrome. Last evaluated: 2022-01-28. Review status: criteria provided, single submitter. Criteria: ACMG Guidelines, 2015. Collection method: clinical testing. Allele origin: germline.
Comment: This variant causes an A to C nucleotide substitution at the -2 position of intron 13 of the MUTYH gene. Splice site prediction tools predict that this variant may have a significant impact on RNA splicing. Although this prediction has not been confirmed in published RNA studies, this variant is expected to result in an absent or disrupted protein product. This variant has not been reported in individuals affected with hereditary cancer in the literature. This variant has not been identified in the general population by the Genome Aggregation Database (gnomAD). Loss of MUTYH function is a known mechanism of disease. Based on the available evidence, this variant is classified as Likely Pathogenic.

Literature cited by the submitters: PubMed 16199547 (cited by Labcorp Genetics (formerly Invitae), Labcorp); PubMed 18534194 (cited by Labcorp Genetics (formerly Invitae), Labcorp); PubMed 20663686 (cited by Labcorp Genetics (formerly Invitae), Labcorp).

NM_001048174.2(MUTYH):c.1240-2A>C

Gene: MUTYH (mutY DNA glycosylase; minus strand). Cytogenetic location: 1p34.1.
Variant type: single nucleotide variant.
Coding change: c.1240-2A>C on transcript NM_001048174.2 (MANE Select); the canonical splice acceptor site of the intron before coding-DNA position 1240, A replaced by C.
Molecular consequence: splice acceptor variant.
Genome position (GRCh38, 1-based): chr1:45,331,336, T>G on the plus strand (A>C on the coding strand, the complement: MUTYH is on the minus strand). VCF-style: chr1-45331336-T-G. GRCh37 (hg19) VCF-style: chr1-45797008-T-G.
Other names: c.1198-2A>C (NM_001407080.1); c.1240-2A>C (NM_001048173.2, NM_001407081.1, NM_001407088.1 and 6 more transcripts); c.1201-2A>C (NM_001407079.1); c.1243-2A>C (NM_001048172.2, NM_001407078.1, NM_001407086.1 and 1 more transcripts); c.1273-2A>C (NM_001407077.1, NM_001293191.2, NM_001407069.1); c.1282-2A>C (NM_001407083.1, NM_001407085.1); c.1156-2A>C (NM_001407075.1); c.964-2A>C (NM_001407091.1, NM_001293192.2, NM_001293196.2); and 5 more.
Identifiers: ClinVar variation 919594 (VCV000919594.6), dbSNP rs1644799870, ClinGen allele CA340132815.